The following is an entry in ClinVar:

ClinVar aggregate classification (germline): Pathogenic (1 of 4 stars; one submission).

Conditions:
Spondyloepimetaphyseal dysplasia with joint laxity, type 3. Also called: EXOC6B-Related Spondyloepimetaphyseal Dysplasia with Joint Laxity. Identifiers: Orphanet 642085, MedGen C5193073, MONDO:0032724, OMIM 618395.

Submission:

3billion
Classification: Pathogenic for Spondyloepimetaphyseal dysplasia with joint laxity, type 3. Last evaluated: 2023-12-03. Review status: criteria provided, single submitter. Criteria: ACMG Guidelines, 2015. Collection method: clinical testing. Allele origin: germline. Affected: yes.
Comment: The variant is not observed in the gnomAD v2.1.1 dataset. Predicted Consequence/Location: Frameshift: predicted to result in a loss or disruption of normal protein function through nonsense-mediated decay (NMD) or protein truncation. Multiple pathogenic variants are reported downstream of the variant. None. Therefore, this variant is classified as Likely pathogenic according to the recommendation of ACMG/AMP guideline.

NM_015189.3(EXOC6B):c.2127del (p.Phe709fs)

Gene: EXOC6B (exocyst complex component 6B; minus strand). Cytogenetic location: 2p13.2.
Variant type: Deletion.
Coding change: c.2127del on transcript NM_015189.3 (MANE Select); coding-DNA position 2127, one base deleted (T; older notation c.2127delT).
Protein change: p.Phe709fs; shifts the reading frame from phenylalanine 709.
Molecular consequence: frameshift variant. On other transcripts: non-coding transcript variant (1).
Genome position (GRCh38, 1-based): chr2:72,335,016, A deleted on the plus strand (T on the coding strand, the reverse complement: EXOC6B is on the minus strand); the first of 3 consecutive A bases (chr2:72,335,016-72,335,018); deleting any one gives the same sequence. VCF-style (leftmost placement, unchanged base first): chr2-72335015-CA-C. GRCh37 (hg19) VCF-style: chr2-72562144-CA-C.
Other names: c.2127del, p.Phe709fs (NM_001321729.2, NM_001321731.2); c.1992del, p.Phe664fs (NM_001321730.2, NM_001321733.2); c.1788del, p.Phe596fs (NM_001321734.2); short protein forms F596fs, F664fs, F709fs.
Identifiers: ClinVar variation 3775346 (VCV003775346.1).
Genomic context (GRCh38, chr2:72,335,015, plus strand): 5'-AGTCGATGAAGGCCAACTGCAGCGTGTCCTCCTGGAACCCAGGCACCGGGCCGGATCTGG[CA>C]AACTCTGTGGGAAAGAAAAGAGGATAAAAAGCGCCTTTAACTAACCATGGACAGGGAGAT-3'